The following is an entry in ClinVar:

ClinVar aggregate classification (germline): Conflicting classifications of pathogenicity. Review status: criteria provided, conflicting classifications (1 of 4 stars). 2 submissions from 2 submitters: Likely pathogenic (1); Uncertain significance (1). Last evaluated 2024-05-31.

Conditions:
Hypophosphatemic rickets, X-linked recessive (XLHRR). Identifiers: Orphanet 1652, Orphanet 93622, MedGen C1845168, MONDO:0010358, OMIM 300554.
Proteinuria, low molecular weight, with hypercalciuria and nephrocalcinosis. Identifiers: Orphanet 1652, Orphanet 93622, MedGen C1839874, MONDO:0010644, OMIM 308990.
Dent disease type 1 (DENT1). Also called: NEPHROLITHIASIS 2; NEPHROLITHIASIS, HYPERCALCIURIC, X-LINKED. Identifiers: Orphanet 1652, Orphanet 93622, MedGen C1848336, MONDO:0010225, OMIM 300009.
X-linked recessive nephrolithiasis with renal failure (XRN). Also called: NEPHROLITHIASIS 1; NEPHROLITHIASIS, X-LINKED RECESSIVE, TYPE 1; UROLITHIASIS, X-LINKED RECESSIVE, TYPE 1. Identifiers: Orphanet 1652, Orphanet 93622, MedGen C0403720, MONDO:0010687, OMIM 310468.

Submissions (2):

Fulgent Genetics
Classification: Likely pathogenic for Dent disease type 1; Hypophosphatemic rickets, X-linked recessive; Proteinuria, low molecular weight, with hypercalciuria and nephrocalcinosis; X-linked recessive nephrolithiasis with renal failure. Last evaluated: 2024-05-31. Review status: criteria provided, single submitter. Criteria: ACMG Guidelines, 2015. Collection method: clinical testing. Allele origin: germline.

Labcorp Genetics (formerly Invitae), Labcorp
Classification: Uncertain significance. Last evaluated: 2022-10-08. Review status: criteria provided, single submitter. Criteria: Invitae Variant Classification Sherloc (09022015). Collection method: clinical testing. Allele origin: germline.
Comment: This sequence change replaces serine, which is neutral and polar, with isoleucine, which is neutral and non-polar, at codon 265 of the CLCN5 protein (p.Ser265Ile). This variant is not present in population databases (gnomAD no frequency). This variant has not been reported in the literature in individuals affected with CLCN5-related conditions. Algorithms developed to predict the effect of missense changes on protein structure and function (SIFT, PolyPhen-2, Align-GVGD) all suggest that this variant is likely to be disruptive. In summary, the available evidence is currently insufficient to determine the role of this variant in disease. Therefore, it has been classified as a Variant of Uncertain Significance.

NM_001127898.4(CLCN5):c.1004G>T (p.Ser335Ile)

Gene: CLCN5 (Cl-/H+ antiporter 5; plus strand). Cytogenetic location: Xp11.23.
Variant type: single nucleotide variant.
Coding change: c.1004G>T on transcript NM_001127898.4 (MANE Select); coding-DNA position 1004, G replaced by T.
Protein change: p.Ser335Ile; replaces serine 335 with isoleucine.
Molecular consequence: missense variant.
Genome position (GRCh38, 1-based): chrX:50,086,050, G>T. VCF-style: chrX-50086050-G-T. GRCh37 (hg19) VCF-style: chrX-49850707-G-T.
Other names: c.794G>T, p.Ser265Ile (NM_000084.5); c.1004G>T, p.Ser335Ile (NM_001127899.4); c.854G>T, p.Ser285Ile (NM_001282163.2); short protein forms S265I, S285I, S335I.
Identifiers: ClinVar variation 1721234 (VCV001721234.6), dbSNP rs782157715, ClinGen allele CA413184968.
Genomic context (GRCh38, chrX:50,086,050, plus strand): 5'-CTGCAGCAGCAGCTGGTGTATCTGTAGCCTTTGGAGCACCTATAGGTGGAGTATTATTCA[G>T]CCTTGAAGAGGTAACAACTTTTCATTGTACAGCATGTGCATGCTTTTGTGTCAGGAATTT-3'
Protein context (NP_001121370.1, residues 325-345): FGAPIGGVLF[Ser335Ile]LEEVSYYFPL